The following is an entry in ClinVar:

NM_001999.4(FBN2):c.6933G>A (p.Met2311Ile)

Gene: FBN2 (fibrillin 2; minus strand). Cytogenetic location: 5q23.3.
Variant type: single nucleotide variant.
Coding change: c.6933G>A on transcript NM_001999.4 (MANE Select); coding-DNA position 6933, G replaced by A.
Protein change: p.Met2311Ile; replaces methionine 2311 with isoleucine.
Molecular consequence: missense variant.
Genome position (GRCh38, 1-based): chr5:128,286,797, C>T on the plus strand (G>A on the coding strand, the complement: FBN2 is on the minus strand). VCF-style: chr5-128286797-C-T. GRCh37 (hg19) VCF-style: chr5-127622489-C-T.
Other names: short protein forms M2311I.
Identifiers: ClinVar variation 4987079 (VCV004987079.1).
Genomic context (GRCh38, chr5:128,286,797, plus strand): 5'-GGGCCTTCGGGCCATTCCAGGAGGGCAGATGCACATGAAGGTGCCGATTAGATTCTTACA[C>T]ATCATGCCCCTAGATTCACAGTCGTGTAACCCTTCAGCACATTCATCCAGATCTAGAACA-3'
Protein context (NP_001990.2, residues 2301-2321): GLHDCESRGM[Met2311Ile]CKNLIGTFMC

ClinVar aggregate classification (germline): Uncertain significance (1 of 4 stars; one submission).

Conditions:
FBN2-related disorder. Also called: FBN2-related condition.

Submission:

PreventionGenetics, part of Exact Sciences
Classification: Uncertain significance for FBN2-related condition. Last evaluated: 2025-05-02. Review status: criteria provided, single submitter. Criteria: ACMG Guidelines, 2015. Collection method: clinical testing. Allele origin: germline.
Comment: The FBN2 c.6933G>A variant is predicted to result in the amino acid substitution p.Met2311Ile. To our knowledge, this variant has not been reported in the literature. This variant is absent in a large population database (gnomAD), indicating this variant is rare. At this time, the clinical significance of this variant is uncertain due to the absence of conclusive functional and genetic evidence.